The following is an entry in ClinVar:

ClinVar aggregate classification (germline): Uncertain significance. Review status: criteria provided, multiple submitters, no conflicts (2 of 4 stars). 2 submissions from 2 submitters: Uncertain significance (2). Last evaluated 2025-09-09.

Conditions:
Primary ciliary dyskinesia. Also called: Ciliary dyskinesia. Identifiers: Orphanet 244, MedGen C0008780, MONDO:0016575, HP:0012265.

gnomAD v4.1: 6 of 1,614,026 alleles (0.00037%); highest among the groups gnomAD compares: Admixed American, 0.0017%; no homozygotes.

Submissions (2):

Labcorp Genetics (formerly Invitae), Labcorp
Classification: Uncertain significance for Primary ciliary dyskinesia. Last evaluated: 2025-09-09. Review status: criteria provided, single submitter. Criteria: Invitae Variant Classification Sherloc (09022015). Collection method: clinical testing. Allele origin: germline.
Comment: This sequence change replaces arginine, which is basic and polar, with glutamine, which is neutral and polar, at codon 4124 of the DNAH8 protein (p.Arg4124Gln). This variant is not present in population databases (gnomAD no frequency). This variant has not been reported in the literature in individuals affected with DNAH8-related conditions. ClinVar contains an entry for this variant (Variation ID: 4013298). Invitae Evidence Modeling of protein sequence and biophysical properties (such as structural, functional, and spatial information, amino acid conservation, physicochemical variation, residue mobility, and thermodynamic stability) has been performed for this missense variant. However, the output from this modeling did not meet the statistical confidence thresholds required to predict the impact of this variant on DNAH8 protein function. In summary, the available evidence is currently insufficient to determine the role of this variant in disease. Therefore, it has been classified as a Variant of Uncertain Significance.

Ambry Genetics
Classification: Uncertain significance. Last evaluated: 2025-05-20. Review status: criteria provided, single submitter. Criteria: Ambry Variant Classification Scheme 2023. Collection method: clinical testing. Allele origin: germline.

NM_001206927.2(DNAH8):c.12371G>A (p.Arg4124Gln)

Genes: DNAH8-AS1 (DNAH8 antisense RNA 1; minus strand), DNAH8 (dynein axonemal heavy chain 8; plus strand). Cytogenetic location: 6p21.2.
Variant type: single nucleotide variant.
Coding change: c.12371G>A on transcript NM_001206927.2 (MANE Select); coding-DNA position 12371, G replaced by A.
Protein change: p.Arg4124Gln; replaces arginine 4124 with glutamine.
Molecular consequence: missense variant.
Genome position (GRCh38, 1-based): chr6:38,951,440, G>A. VCF-style: chr6-38951440-G-A. GRCh37 (hg19) VCF-style: chr6-38919216-G-A.
Other names: c.11720G>A, p.Arg3907Gln (NM_001371.4); short protein forms R4124Q, R3907Q.
Identifiers: ClinVar variation 4013298 (VCV004013298.2).